The following is an entry in ClinVar:

ClinVar aggregate classification (germline): Uncertain significance (1 of 4 stars; one submission).

Allele frequency attached by ClinVar (database versions not stated): gnomAD exomes below 0.00001; ExAC 0.00001.
gnomAD v4.1: 1 of 1,612,774 alleles (0.000062%); highest among the groups gnomAD compares: Non-Finnish European, 0.000085%; no homozygotes.

Submission:

Labcorp Genetics (formerly Invitae), Labcorp
Classification: Uncertain significance. Last evaluated: 2024-06-17. Review status: criteria provided, single submitter. Criteria: Invitae Variant Classification Sherloc (09022015). Collection method: clinical testing. Allele origin: germline.
Comment: This sequence change falls in intron 7 of the C6 gene. It does not directly change the encoded amino acid sequence of the C6 protein. It affects a nucleotide within the consensus splice site. This variant is present in population databases (rs755096487, gnomAD 0.0009%). This variant has not been reported in the literature in individuals affected with C6-related conditions. ClinVar contains an entry for this variant (Variation ID: 1954354). Variants that disrupt the consensus splice site are a relatively common cause of aberrant splicing (PMID: 17576681, 9536098). Algorithms developed to predict the effect of sequence changes on RNA splicing suggest that this variant is not likely to affect RNA splicing. In summary, the available evidence is currently insufficient to determine the role of this variant in disease. Therefore, it has been classified as a Variant of Uncertain Significance.

Literature cited by the submitters: PubMed 17576681; PubMed 9536098.

NM_000065.5(C6):c.927+5C>G

Gene: C6 (complement C6; minus strand). Cytogenetic location: 5p13.1.
Variant type: single nucleotide variant.
Coding change: c.927+5C>G on transcript NM_000065.5 (MANE Select); 5 bases into the intron after coding-DNA position 927, C replaced by G.
Molecular consequence: intron variant.
Genome position (GRCh38, 1-based): chr5:41,181,354, G>C on the plus strand (C>G on the coding strand, the complement: C6 is on the minus strand). VCF-style: chr5-41181354-G-C. GRCh37 (hg19) VCF-style: chr5-41181456-G-C.
Other names: c.927+5C>G (NM_001115131.4).
Identifiers: ClinVar variation 1954354 (VCV001954354.5), dbSNP rs755096487, ClinGen allele CA3252623.